The following is an entry in ClinVar:

NM_012434.5(SLC17A5):c.802_816del (p.Ser268_Asn272del)

Gene: SLC17A5 (solute carrier family 17 member 5; minus strand). Cytogenetic location: 6q13.
Variant type: Deletion.
Coding change: c.802_816del on transcript NM_012434.5 (MANE Select); coding-DNA positions 802 to 816, 15 bases deleted (TCATCATTAAGAAAT).
Protein change: p.Ser268_Asn272del.
Molecular consequence: inframe deletion.
Genome position (GRCh38, 1-based): chr6:73,635,385-73,635,399, ATTTCTTAATGATGA deleted on the plus strand (TCATCATTAAGAAAT on the coding strand, the reverse complement: SLC17A5 is on the minus strand); deleting any 15 consecutive bases within chr6:73,635,385-73,635,400 gives the same sequence; the c. name uses the placement nearest the transcript's 3' end. VCF-style (leftmost placement, unchanged base first): chr6-73635384-GATTTCTTAATGATGA-G. GRCh37 (hg19) VCF-style: chr6-74345107-GATTTCTTAATGATGA-G.
Other names: c.802_816delTCATCATTAAGAAAT (NM_012434.5); c.571_585del, p.Ser191_Asn195del (NM_001382629.1); c.802_816del, p.Ser268_Asn272del (NM_001382630.1, NM_001382633.1, NM_001382634.1); c.823_837del, p.Ser275_Asn279del (NM_001382631.1); c.715_729del, p.Ser239_Asn243del (NM_001382632.1); c.799_813del, p.Ser267_Asn271del (NM_001382635.1); c.484_498del, p.Ser162_Asn166del (NM_001382636.1).
Identifiers: ClinVar variation 56558 (VCV000056558.20), dbSNP rs386833994, ClinGen allele CA263930.

ClinVar aggregate classification (germline): Pathogenic. Review status: criteria provided, multiple submitters, no conflicts (2 of 4 stars). 11 submissions from 10 submitters: Pathogenic (8). 3 of the submissions do not count toward it. Last evaluated 2026-01-24.

Conditions:
SLC17A5-related disorder. Also called: SLC17A5-related condition; SLC17A5-related disorders.
Salla disease (SD). Also called: Sialuria, Finnish type; N-acetylneuraminic acid (NANA) storage disease (NSD); Infantile sialic acid storage disorder (ISSD); Less Severe FSASD (Salla Disease). Identifiers: Orphanet 309334, Orphanet 834, MedGen C1096903, MONDO:0011449, OMIM 604369.
Sialic acid storage disease, severe infantile type (ISSD). Also called: INFANTILE SIALIC ACID STORAGE DISORDER; Infantile Sialic Acid Storage Disease; N-ACETYLNEURAMINIC ACID STORAGE DISEASE; NANA STORAGE DISEASE; SIALURIA, INFANTILE FORM; Free sialic acid storage disease, infantile form. Identifiers: Orphanet 309324, Orphanet 834, MedGen C1096902, MONDO:0010027, OMIM 269920.

Submissions (11):

Labcorp Genetics (formerly Invitae), Labcorp
Classification: Pathogenic for Salla disease. Last evaluated: 2026-01-24. Review status: criteria provided, single submitter. Criteria: Invitae Variant Classification Sherloc (09022015). Collection method: clinical testing. Allele origin: germline.
Comment: This variant, c.802_816del, results in the deletion of 5 amino acid(s) of the SLC17A5 protein (p.Ser268_Asn272del), but otherwise preserves the integrity of the reading frame. This variant is present in population databases (rs386833994, gnomAD 0.006%). This variant has been observed in individual(s) with severe infantile sialic acid storage disease (PMID: 10581036, 12794688, 15805149). This variant is also known as 801-815del, SSLRN deletion, or "the ISSD deletion". ClinVar contains an entry for this variant (Variation ID: 56558). Algorithms developed to predict the effect of variants on gene product structure and function are not available or were not evaluated for this variant. Experimental studies have shown that this variant affects SLC17A5 function (PMID: 12359136, 15510212). For these reasons, this variant has been classified as Pathogenic.

Natera, Inc.
Classification: Pathogenic for Salla disease. Last evaluated: 2025-10-09. Review status: criteria provided, single submitter. Criteria: Natera Variant Classification Schema (03/2026). Collection method: clinical testing. Allele origin: germline.
Comment: The c.802_816delTCATCATTAAGAAAT variant in SLC17A5 is an in-frame deletion. This variant is rare in the general population with a frequency below the threshold expected for the associated phenotype(s). This variant has been observed in one or more individuals affected with the associated recessive disease, as either homozygous or compound heterozygous with a second variant (PMID: 12794688, 15805149). This variant results in a change to the protein length while preserving reading frame, which may disrupt normal protein structure or function. Computational prediction algorithms indicate this variant is likely to affect gene or protein function. Given the available evidence, this variant is classified as Pathogenic.

Blueprint Genetics
Classification: Pathogenic for SLC17A5-related disorders. Last evaluated: 2024-11-23. Review status: criteria provided, single submitter. Criteria: ACMG Guidelines, 2015. Collection method: clinical testing. Allele origin: germline. Affected: yes. Observed: 5 variant alleles.

Fulgent Genetics
Classification: Pathogenic for Sialic acid storage disease, severe infantile type; Salla disease. Last evaluated: 2024-03-14. Review status: criteria provided, single submitter. Criteria: ACMG Guidelines, 2015. Collection method: clinical testing. Allele origin: germline.

Baylor Genetics
Classification: Pathogenic for Salla disease. Last evaluated: 2024-02-06. Review status: criteria provided, single submitter. Criteria: ACMG Guidelines, 2015. Collection method: clinical testing. Allele origin: unknown.

GeneDx
Classification: Pathogenic. Last evaluated: 2022-12-06. Review status: criteria provided, single submitter. Criteria: GeneDx Variant Classification Process June 2021. Collection method: clinical testing. Allele origin: germline. Affected: yes.
Comment: Not observed at significant frequency in large population cohorts (gnomAD); In-frame deletion of 5 amino acids in a non-repeat region; In silico analysis supports a deleterious effect on protein structure/function; This variant is associated with the following publications: (PMID: 15516337, 12121352, 15510212, 12359136, 21781115, 12794688, 10069709, 15805149, 10947946, 2334213, 16170568, 10581036)

Genome-Nilou Lab
Classification: Pathogenic for Salla disease. Last evaluated: 2021-09-05. Review status: criteria provided, single submitter. Criteria: ACMG Guidelines, 2015. Collection method: clinical testing. Allele origin: germline. Affected: no.

Women's Health and Genetics/Laboratory Corporation of America, LabCorp
Classification: Pathogenic for Salla disease. Last evaluated: 2017-05-12. Review status: criteria provided, single submitter. Criteria: LabCorp Variant Classification Summary - May 2015. Collection method: clinical testing. Allele origin: germline.
Comment: Variant summary: The SLC17A5 c.802_816del15 (p.Ser268_Asn272del) variant causes an in-frame deletion in the cytosolic loop between TM domains 6 and 7 (Aula_2000). This variant was found in 2/119968 control chromosomes at a frequency of 0.0000167, which does not exceed the estimated maximal expected allele frequency of a pathogenic SLC17A5 variant (0.0023717). Multiple publications cite the variant in affected homozygous and compound heterozygous individuals diagnosed with ISSD. Functional studies found that due to this variant the ISSD polypeptide is mainly constrained to the Golgi compartment with limited presence in the lysosomes (Aula_2002) and also that it abrogates the transport activity of sialin (Wreden_2016) In addition, multiple clinical diagnostic laboratories/reputable databases classified this variant as pathogenic/likely pathogenic. Taken together, this variant is classified as pathogenic.

OMIM
Classification: Pathogenic for INFANTILE SIALIC ACID STORAGE DISORDER. Last evaluated: 2003-07-01. Review status: no assertion criteria provided. Collection method: literature only. Allele origin: germline. Not counted in ClinVar's aggregate classification.

OMIM
Classification: Pathogenic for SALLA DISEASE. Last evaluated: 2003-07-01. Review status: no assertion criteria provided. Collection method: literature only. Allele origin: germline. Not counted in ClinVar's aggregate classification.

Juha Muilu Group; Institute for Molecular Medicine Finland (FIMM)
Classification: Likely pathogenic for Salla disease. Review status: no assertion criteria provided. Collection method: not provided. Allele origin: unknown. Not counted in ClinVar's aggregate classification.
Comment: FinDis database variant: This variant was not found or characterized by our laboratory, data were collected from public sources: see reference
ClinVar note: Converted during submission from probable-pathogenic to Likely pathogenic.

Literature cited by the submitters: PubMed 10581036 (cited by Labcorp Genetics (formerly Invitae), Labcorp and OMIM); PubMed 12794688 (cited by 3 submitters); PubMed 15805149 (cited by 3 submitters); PubMed 12359136 (cited by Labcorp Genetics (formerly Invitae), Labcorp and Women's Health and Genetics/Laboratory Corporation of America, LabCorp); PubMed 15510212 (cited by Labcorp Genetics (formerly Invitae), Labcorp); PubMed 15516337 (cited by Women's Health and Genetics/Laboratory Corporation of America, LabCorp); PubMed 10947946 (cited by Women's Health and Genetics/Laboratory Corporation of America, LabCorp); PubMed 10069709 (cited by OMIM); PubMed 2334213 (cited by OMIM); PubMed 12121352 (cited by OMIM).